The following is an entry in ClinVar:

ClinVar aggregate classification (germline): Uncertain significance (0 of 4 stars; one submission).

Conditions:
TNRC6B-related disorder. Also called: TNRC6B-related condition.

Submission:

PreventionGenetics, part of Exact Sciences
Classification: Uncertain significance for TNRC6B-related condition. Last evaluated: 2024-09-04. Review status: no assertion criteria provided. Collection method: clinical testing. Allele origin: germline.
Comment: The TNRC6B c.4868G>C variant is predicted to result in the amino acid substitution p.Arg1623Thr. To our knowledge, this variant has not been reported in the literature or in a large population database, indicating this variant is rare. At this time, the clinical significance of this variant is uncertain due to the absence of conclusive functional and genetic evidence.

NM_001162501.2(TNRC6B):c.4868G>C (p.Arg1623Thr)

Gene: TNRC6B (trinucleotide repeat containing adaptor 6B; plus strand). Cytogenetic location: 22q13.1.
Variant type: single nucleotide variant.
Coding change: c.4868G>C on transcript NM_001162501.2 (MANE Select); coding-DNA position 4868, G replaced by C.
Protein change: p.Arg1623Thr; replaces arginine 1623 with threonine.
Molecular consequence: missense variant.
Genome position (GRCh38, 1-based): chr22:40,315,472, G>C. VCF-style: chr22-40315472-G-C. GRCh37 (hg19) VCF-style: chr22-40711476-G-C.
Other names: c.2456G>C, p.Arg819Thr (NM_001024843.2); c.4538G>C, p.Arg1513Thr (NM_015088.3); short protein forms R1513T, R1623T, R819T.
Identifiers: ClinVar variation 3031529 (VCV003031529.2), dbSNP rs2518046174, ClinGen allele CA411670726.